The following is an entry in ClinVar:

ClinVar aggregate classification (germline): Likely pathogenic (1 of 4 stars; one submission).

Allele frequency attached by ClinVar (database versions not stated): TOPMed below 0.00001; ExAC 0.00001; gnomAD 0.00001.
gnomAD v4.1: 6 of 1,610,814 alleles (0.00037%); highest among the groups gnomAD compares: Non-Finnish European, 0.00051%; no homozygotes.

Submission:

Labcorp Genetics (formerly Invitae), Labcorp
Classification: Likely pathogenic. Last evaluated: 2024-01-16. Review status: criteria provided, single submitter. Criteria: Invitae Variant Classification Sherloc (09022015). Collection method: clinical testing. Allele origin: germline.
Comment: This sequence change affects an acceptor splice site in intron 7 of the SLC38A8 gene. It is expected to disrupt RNA splicing. Variants that disrupt the donor or acceptor splice site typically lead to a loss of protein function (PMID: 16199547), and loss-of-function variants in SLC38A8 are known to be pathogenic (PMID: 24290379). This variant is present in population databases (rs779197965, gnomAD 0.003%). This variant has not been reported in the literature in individuals affected with SLC38A8-related conditions. Algorithms developed to predict the effect of sequence changes on RNA splicing suggest that this variant may disrupt the consensus splice site. In summary, the currently available evidence indicates that the variant is pathogenic, but additional data are needed to prove that conclusively. Therefore, this variant has been classified as Likely Pathogenic.

Literature cited by the submitters: PubMed 16199547; PubMed 24290379.

NM_001080442.3(SLC38A8):c.954-2A>C

Gene: SLC38A8 (solute carrier family 38 member 8; minus strand). Cytogenetic location: 16q23.3.
Variant type: single nucleotide variant.
Coding change: c.954-2A>C on transcript NM_001080442.3 (MANE Select); the canonical splice acceptor site of the intron before coding-DNA position 954, A replaced by C.
Molecular consequence: splice acceptor variant.
Genome position (GRCh38, 1-based): chr16:84,016,729, T>G on the plus strand (A>C on the coding strand, the complement: SLC38A8 is on the minus strand). VCF-style: chr16-84016729-T-G. GRCh37 (hg19) VCF-style: chr16-84050334-T-G.
Identifiers: ClinVar variation 2909720 (VCV002909720.3), dbSNP rs779197965, ClinGen allele CA8199862.